The following is an entry in ClinVar:

ClinVar aggregate classification (germline): Uncertain significance (0 of 4 stars; one submission).

Conditions:
PPARG-related disorder. Also called: PPARG-related disorders; PPARG-related condition.

gnomAD v4.1: 3 of 1,614,090 alleles (0.00019%); highest among the groups gnomAD compares: Non-Finnish European, 0.00025%; no homozygotes.

Submission:

PreventionGenetics, part of Exact Sciences
Classification: Uncertain significance for PPARG-related condition. Last evaluated: 2024-03-19. Review status: no assertion criteria provided. Collection method: clinical testing. Allele origin: germline.
Comment: The PPARG c.890C>A variant is predicted to result in the amino acid substitution p.Pro297His. To our knowledge, this variant has not been reported in the literature or in a large population database, indicating this variant is rare. At this time, the clinical significance of this variant is uncertain due to the absence of conclusive functional and genetic evidence.

NM_138711.6(PPARG):c.800C>A (p.Pro267His)

Gene: PPARG (peroxisome proliferator activated receptor gamma; plus strand). Cytogenetic location: 3p25.2.
Variant type: single nucleotide variant.
Coding change: c.800C>A on transcript NM_138711.6 (MANE Select); coding-DNA position 800, C replaced by A.
Protein change: p.Pro267His; replaces proline 267 with histidine.
Molecular consequence: missense variant. On other transcripts: intron variant (5).
Genome position (GRCh38, 1-based): chr3:12,416,774, C>A. VCF-style: chr3-12416774-C-A. GRCh37 (hg19) VCF-style: chr3-12458273-C-A.
Other names: c.800C>A, p.Pro267His (NM_001354666.3, NM_001354667.3, NM_001374263.2 and 3 more transcripts); c.173C>A, p.Pro58His (NM_001354669.2); c.890C>A, p.Pro297His (NM_015869.5); c.729+10693C>A (NM_001374261.3, NM_001374262.3, NM_001330615.4); c.653+10775C>A (NM_001374266.1); c.819+10693C>A (NM_001374265.1); short protein forms P267H, P297H, P58H.
Identifiers: ClinVar variation 3348779 (VCV003348779.1).